The following is an entry in ClinVar:

NM_003098.3(SNTA1):c.763G>C (p.Ala255Pro)

Gene: SNTA1 (syntrophin alpha 1; minus strand). Cytogenetic location: 20q11.21.
Variant type: single nucleotide variant.
Coding change: c.763G>C on transcript NM_003098.3 (MANE Select); coding-DNA position 763, G replaced by C.
Protein change: p.Ala255Pro; replaces alanine 255 with proline.
Molecular consequence: missense variant.
Genome position (GRCh38, 1-based): chr20:33,412,721, C>G on the plus strand (G>C on the coding strand, the complement: SNTA1 is on the minus strand). VCF-style: chr20-33412721-C-G. GRCh37 (hg19) VCF-style: chr20-32000527-C-G.
Other names: short protein forms A255P.
Identifiers: ClinVar variation 391906 (VCV000391906.13), dbSNP rs1057524281, ClinGen allele CA16607972.

ClinVar aggregate classification (germline): Uncertain significance. Review status: criteria provided, multiple submitters, no conflicts (2 of 4 stars). 3 submissions from 3 submitters: Uncertain significance (3). Last evaluated 2025-02-22.

Conditions:
Cardiovascular phenotype. Identifiers: MedGen CN230736.
Long QT syndrome (LQTS). Identifiers: MedGen C0023976, MeSH D008133, MONDO:0002442. Disease mechanism: loss of function. Inheritance: Various modes of inheritance.

Submissions (3):

Ambry Genetics
Classification: Uncertain significance for Cardiovascular phenotype. Last evaluated: 2025-02-22. Review status: criteria provided, single submitter. Criteria: Ambry Variant Classification Scheme 2023. Collection method: clinical testing. Allele origin: germline.
Comment: The p.A255P variant (also known as c.763G>C), located in coding exon 4 of the SNTA1 gene, results from a G to C substitution at nucleotide position 763. The alanine at codon 255 is replaced by proline, an amino acid with highly similar properties. This amino acid position is conserved. In addition, the in silico prediction for this alteration is inconclusive. Based on the available evidence, the clinical significance of this variant remains unclear.

Labcorp Genetics (formerly Invitae), Labcorp
Classification: Uncertain significance for Long QT syndrome. Last evaluated: 2024-04-26. Review status: criteria provided, single submitter. Criteria: Invitae Variant Classification Sherloc (09022015). Collection method: clinical testing. Allele origin: germline.
Comment: This sequence change replaces alanine, which is neutral and non-polar, with proline, which is neutral and non-polar, at codon 255 of the SNTA1 protein (p.Ala255Pro). This variant is not present in population databases (gnomAD no frequency). This variant has not been reported in the literature in individuals affected with SNTA1-related conditions. ClinVar contains an entry for this variant (Variation ID: 391906). Advanced modeling of protein sequence and biophysical properties (such as structural, functional, and spatial information, amino acid conservation, physicochemical variation, residue mobility, and thermodynamic stability) performed at Invitae indicates that this missense variant is not expected to disrupt SNTA1 protein function with a negative predictive value of 80%. In summary, the available evidence is currently insufficient to determine the role of this variant in disease. Therefore, it has been classified as a Variant of Uncertain Significance.

GeneDx
Classification: Uncertain significance. Last evaluated: 2023-08-07. Review status: criteria provided, single submitter. Criteria: GeneDx Variant Classification Process June 2021. Collection method: clinical testing. Allele origin: germline. Affected: yes.
Comment: Not observed at significant frequency in large population cohorts (gnomAD); In silico analysis supports that this missense variant has a deleterious effect on protein structure/function; Has not been previously published as pathogenic or benign to our knowledge